The following is an entry in ClinVar:

NM_006648.4(WNK2):c.4070A>C (p.Glu1357Ala)

Gene: WNK2 (WNK lysine deficient protein kinase 2; plus strand). Cytogenetic location: 9q22.31.
Variant type: single nucleotide variant.
Coding change: c.4070A>C on transcript NM_006648.4 (MANE Select); coding-DNA position 4070, A replaced by C.
Protein change: p.Glu1357Ala; replaces glutamic acid 1357 with alanine.
Molecular consequence: missense variant.
Genome position (GRCh38, 1-based): chr9:93,288,824, A>C. VCF-style: chr9-93288824-A-C. GRCh37 (hg19) VCF-style: chr9-96051106-A-C.
Other names: c.4181A>C, p.Glu1394Ala (NM_001282394.3); short protein forms E1357A, E1394A.
Identifiers: ClinVar variation 3981804 (VCV003981804.1).
Genomic context (GRCh38, chr9:93,288,824, plus strand): 5'-AGGCATTTTCCCCATTTCTTCTAGATTCAGCGCCCTATAAAGACCAGCTGTCCTCGAAGG[A>C]ACAACCCAGCTTTCTAGCCAGTCAGCAGCTCCTGAGCCAGGCGGGCCCCAGCAACCCTCC-3'
Protein context (NP_006639.3, residues 1347-1367): APYKDQLSSK[Glu1357Ala]QPSFLASQQL

ClinVar aggregate classification (germline): Uncertain significance (1 of 4 stars; one submission).

gnomAD v4.1: 3 of 1,612,204 alleles (0.00019%); highest among the groups gnomAD compares: African/African-American, 0.004%; no homozygotes.

Submission:

Ambry Genetics
Classification: Uncertain significance. Last evaluated: 2025-04-05. Review status: criteria provided, single submitter. Criteria: Ambry Variant Classification Scheme 2023. Collection method: clinical testing. Allele origin: germline.
Comment: The p.E1357A variant (also known as c.4070A>C), located in coding exon 19 of the WNK2 gene, results from an A to C substitution at nucleotide position 4070. The glutamic acid at codon 1357 is replaced by alanine, an amino acid with dissimilar properties. This amino acid position is conserved. In addition, this alteration is predicted to be tolerated by in silico analysis. Based on the available evidence, the clinical significance of this variant remains unclear.